The following is an entry in ClinVar:

NM_001369.3(DNAH5):c.5272-17_5272-15dup

Gene: DNAH5 (dynein axonemal heavy chain 5; minus strand). Cytogenetic location: 5p15.2.
Variant type: Duplication.
Coding change: c.5272-17_5272-15dup on transcript NM_001369.3 (MANE Select); 17 bases into the intron before coding-DNA position 5272 through 15 bases into the intron before coding-DNA position 5272, 3 bases duplicated (TTT; older notation c.5272-17_5272-15dupTTT).
Molecular consequence: intron variant.
Genome position (GRCh38, 1-based): chr5:13,841,919-13,841,921, AAA duplicated on the plus strand (TTT on the coding strand, the reverse complement: DNAH5 is on the minus strand); duplicating any 3 consecutive bases within chr5:13,841,919-13,841,937 gives the same sequence; the c. name uses the placement nearest the transcript's 3' end. VCF-style (leftmost placement, unchanged base first): chr5-13841918-C-CAAA. GRCh37 (hg19) VCF-style: chr5-13842027-C-CAAA.
Identifiers: ClinVar variation 4992658 (VCV004992658.1), dbSNP rs35337694.
Genomic context (GRCh38, chr5:13,841,918, plus strand): 5'-ATCGTCTCACCCTCTTGAGAGGAAATTGACAGAATTCGATCATAGATCTATGTTAGAAAC[C>CAAA]AAAAAAAAAAAAAAAAAAAGCTATAGTCATATAAAAAGTAAAAACTAATTATTGACTTGT-3'

ClinVar aggregate classification (germline): Likely benign (1 of 4 stars; one submission).

Conditions:
DNAH5-related disorder. Also called: DNAH5-related condition.

Submission:

PreventionGenetics, part of Exact Sciences
Classification: Likely benign for DNAH5-related condition. Last evaluated: 2026-06-25. Review status: criteria provided, single submitter. Criteria: ACMG Guidelines, 2015. Collection method: clinical testing. Allele origin: germline.
Comment: This variant is classified as likely benign based on ACMG/AMP sequence variant interpretation guidelines (Richards et al. 2015 PMID: 25741868, with internal and published modifications).